The following is an entry in ClinVar:

NM_002303.6(LEPR):c.977G>A (p.Arg326His)

Gene: LEPR (leptin receptor; plus strand). Cytogenetic location: 1p31.3.
Variant type: single nucleotide variant.
Coding change: c.977G>A on transcript NM_002303.6 (MANE Select); coding-DNA position 977, G replaced by A.
Protein change: p.Arg326His; replaces arginine 326 with histidine.
Molecular consequence: missense variant.
Genome position (GRCh38, 1-based): chr1:65,598,787, G>A. VCF-style: chr1-65598787-G-A. GRCh37 (hg19) VCF-style: chr1-66064470-G-A.
Other names: c.977G>A, p.Arg326His (NM_001003679.3, NM_001003680.3, NM_001198687.2 and 2 more transcripts); short protein forms R326H.
Identifiers: ClinVar variation 2634836 (VCV002634836.4), dbSNP rs372587951, ClinGen allele CA894698.

ClinVar aggregate classification (germline): Conflicting classifications of pathogenicity. Review status: criteria provided, conflicting classifications (1 of 4 stars). 3 submissions from 3 submitters: Uncertain significance (1); Likely benign (1). 1 of the submissions does not count toward it. Last evaluated 2026-02-18.

Conditions:
LEPR-related disorder. Also called: LEPR-related condition; LEPR-related disorders.
Inborn genetic diseases. Identifiers: MedGen C0950123, MeSH D030342.

Allele frequency attached by ClinVar (database versions not stated): ExAC 0.00002; gnomAD exomes 0.00002; TOPMed 0.00005; gnomAD 0.00006; ESP Exome Variant Server 0.00008.
gnomAD v4.1: 39 of 1,613,188 alleles (0.0024%); highest among the groups gnomAD compares: Admixed American, 0.015%; no homozygotes.

Submissions (3):

GeneDx
Classification: Uncertain significance. Last evaluated: 2026-02-18. Review status: criteria provided, single submitter. Criteria: GeneDx Variant Classification Process June 2021. Collection method: clinical testing. Allele origin: germline.
Comment: In silico analysis suggests that this missense variant does not alter protein structure/function; Has not been previously published as pathogenic or benign to our knowledge

Ambry Genetics
Classification: Likely benign for Inborn genetic diseases. Last evaluated: 2025-05-07. Review status: criteria provided, single submitter. Criteria: Ambry Variant Classification Scheme 2023. Collection method: clinical testing. Allele origin: germline.

PreventionGenetics, part of Exact Sciences
Classification: Uncertain significance for LEPR-related condition. Last evaluated: 2024-07-03. Review status: no assertion criteria provided. Collection method: clinical testing. Allele origin: germline. Not counted in ClinVar's aggregate classification.
Comment: The LEPR c.977G>A variant is predicted to result in the amino acid substitution p.Arg326His. This variant was observed in a cohort of individuals with obesity, and in vitro functional studies showed inconclusive evidence of loss of function (Supplemental Data Set, Shah et al. 2023. PubMed ID: 36864747). This variant is reported in 0.0085% of alleles in individuals of Latino descent in gnomAD. At this time, the clinical significance of this variant is uncertain due to the absence of conclusive functional and genetic evidence.